The following is an entry in ClinVar:

ClinVar aggregate classification (germline): Uncertain significance (1 of 4 stars; one submission).

Submission:

GeneDx
Classification: Uncertain significance. Last evaluated: 2026-03-26. Review status: criteria provided, single submitter. Criteria: GeneDx Variant Classification Process June 2021. Collection method: clinical testing. Allele origin: germline.
Comment: Not observed at significant frequency in large population cohorts (gnomAD); In silico analysis supports that this missense variant has a deleterious effect on protein structure/function; Has not been previously published as pathogenic or benign to our knowledge

NM_003106.4(SOX2):c.266C>T (p.Pro89Leu)

Genes: SOX2 (SRY-box transcription factor 2; plus strand), SOX2-OT (SOX2 overlapping transcript; plus strand), LOC108281177 (SOX2 5' regulatory region; plus strand). Cytogenetic location: 3q26.33.
Variant type: single nucleotide variant.
Coding change: c.266C>T on transcript NM_003106.4 (MANE Select); coding-DNA position 266, C replaced by T.
Protein change: p.Pro89Leu; replaces proline 89 with leucine.
Molecular consequence: missense variant.
Genome position (GRCh38, 1-based): chr3:181,712,626, C>T. VCF-style: chr3-181712626-C-T. GRCh37 (hg19) VCF-style: chr3-181430414-C-T.
Other names: short protein forms P89L.
Identifiers: ClinVar variation 5017641 (VCV005017641.1).